The following is an entry in ClinVar:

NM_031466.8(TRAPPC9):c.-134G>T

Gene: TRAPPC9 (trafficking protein particle complex subunit 9; minus strand). Cytogenetic location: 8q24.3.
Variant type: single nucleotide variant.
Coding change: c.-134G>T on transcript NM_031466.8; 134 bases upstream of the start codon, G replaced by T.
Molecular consequence: 5 prime UTR variant.
Genome position (GRCh38, 1-based): chr8:140,458,404, C>A on the plus strand (G>T on the coding strand, the complement: TRAPPC9 is on the minus strand). VCF-style: chr8-140458404-C-A. GRCh37 (hg19) VCF-style: chr8-141468503-C-A.
Identifiers: ClinVar variation 588831 (VCV000588831.8), dbSNP rs1564040977, ClinGen allele CA372321120.

ClinVar aggregate classification (germline): Uncertain significance (1 of 4 stars; one submission).

Conditions:
Inborn genetic diseases. Identifiers: MedGen C0950123, MeSH D030342.

Submission:

Ambry Genetics
Classification: Uncertain significance for Inborn genetic diseases. Last evaluated: 2017-05-26. Review status: criteria provided, single submitter. Criteria: Ambry Variant Classification Scheme 2023. Collection method: clinical testing. Allele origin: germline.
Comment: The p.S54I variant (also known as c.161G>T), located in coding exon 1 of the TRAPPC9 gene, results from a G to T substitution at nucleotide position 161. The serine at codon 54 is replaced by isoleucine, an amino acid with dissimilar properties. This amino acid position is not well conserved in available vertebrate species. In addition, this alteration is predicted to be tolerated by in silico analysis. Since supporting evidence is limited at this time, the clinical significance of this alteration remains unclear.